The following is an entry in ClinVar:

ClinVar aggregate classification (germline): Uncertain significance (1 of 4 stars; one submission).

Conditions:
Leber congenital amaurosis 8 (LCA8). Identifiers: Orphanet 65, MedGen C3151202, MONDO:0013453, OMIM 613835.
Retinitis pigmentosa 12 (RP12). Also called: RP WITH OR WITHOUT PRESERVED PARAARTERIOLE RETINAL PIGMENT EPITHELIUM; RETINITIS PIGMENTOSA WITH OR WITHOUT PARAARTERIOLAR PRESERVATION OF RETINAL PIGMENT EPITHELIUM; RP WITH OR WITHOUT PPRPE. Identifiers: Orphanet 791, MedGen C1838647, MONDO:0010818, OMIM 600105.

Allele frequency attached by ClinVar (database versions not stated): gnomAD exomes below 0.00001; TOPMed below 0.00001.
gnomAD v4.1: 2 of 1,614,216 alleles (0.00012%); highest among the groups gnomAD compares: Admixed American, 0.0017%; no homozygotes.

Submission:

Labcorp Genetics (formerly Invitae), Labcorp
Classification: Uncertain significance for Leber congenital amaurosis 8; Retinitis pigmentosa 12. Last evaluated: 2021-10-08. Review status: criteria provided, single submitter. Criteria: Invitae Variant Classification Sherloc (09022015). Collection method: clinical testing. Allele origin: germline.
Comment: This sequence change replaces glutamine with arginine at codon 164 of the CRB1 protein (p.Gln164Arg). The glutamine residue is highly conserved and there is a small physicochemical difference between glutamine and arginine. This variant is not present in population databases (ExAC no frequency). This variant has not been reported in the literature in individuals affected with CRB1-related conditions. Advanced modeling of protein sequence and biophysical properties (such as structural, functional, and spatial information, amino acid conservation, physicochemical variation, residue mobility, and thermodynamic stability) performed at Invitae indicates that this missense variant is not expected to disrupt CRB1 protein function. In summary, the available evidence is currently insufficient to determine the role of this variant in disease. Therefore, it has been classified as a Variant of Uncertain Significance.

NM_201253.3(CRB1):c.491A>G (p.Gln164Arg)

Gene: CRB1 (crumbs cell polarity complex component 1; plus strand). Cytogenetic location: 1q31.3.
Variant type: single nucleotide variant.
Coding change: c.491A>G on transcript NM_201253.3 (MANE Select); coding-DNA position 491, A replaced by G.
Protein change: p.Gln164Arg; replaces glutamine 164 with arginine.
Molecular consequence: missense variant. On other transcripts: non-coding transcript variant (2).
Genome position (GRCh38, 1-based): chr1:197,328,842, A>G. VCF-style: chr1-197328842-A-G. GRCh37 (hg19) VCF-style: chr1-197297972-A-G.
Other names: c.491A>G, p.Gln164Arg (NM_001193640.2, NM_001257966.2); c.284A>G, p.Gln95Arg (NM_001257965.2); short protein forms Q164R, Q95R.
Identifiers: ClinVar variation 1386106 (VCV001386106.3), dbSNP rs952354514, ClinGen allele CA36046659.